The following is an entry in ClinVar:

ClinVar aggregate classification (germline): Uncertain significance (1 of 4 stars; one submission).

Conditions:
Primary familial hypertrophic cardiomyopathy (HCM). Identifiers: Orphanet 99739, MedGen C0949658, MeSH D024741, MONDO:0024573. Inheritance: Various modes of inheritance.
Dilated cardiomyopathy 1AA (CMD1AA). Also called: Cardiomyopathy, dilated, 1AA, with or without LVNC; CARDIOMYOPATHY, DILATED, 1AA, WITH OR WITHOUT LEFT VENTRICULAR NONCOMPACTION; CARDIOMYOPATHY, FAMILIAL HYPERTROPHIC, 23, WITH OR WITHOUT LEFT VENTRICULAR NONCOMPACTION. Identifiers: Orphanet 154, MedGen C2677338, MONDO:0012808, OMIM 612158.

Allele frequency attached by ClinVar (database versions not stated): gnomAD exomes below 0.00001.
gnomAD v4.1: 4 of 1,614,092 alleles (0.00025%); highest among the groups gnomAD compares: Non-Finnish European, 0.00034%; no homozygotes.

Submission:

Labcorp Genetics (formerly Invitae), Labcorp
Classification: Uncertain significance for Primary familial hypertrophic cardiomyopathy; Dilated cardiomyopathy 1AA. Last evaluated: 2026-01-12. Review status: criteria provided, single submitter. Criteria: Invitae Variant Classification Sherloc (09022015). Collection method: clinical testing. Allele origin: germline.
Comment: This sequence change falls in intron 11 of the ACTN2 gene. It does not directly change the encoded amino acid sequence of the ACTN2 protein. It affects a nucleotide within the consensus splice site. This variant is not present in population databases (gnomAD no frequency). This variant has not been reported in the literature in individuals affected with ACTN2-related conditions. ClinVar contains an entry for this variant (Variation ID: 660332). Variants that disrupt the consensus splice site are a relatively common cause of aberrant splicing (PMID: 17576681, 9536098). Algorithms developed to predict the effect of sequence changes on RNA splicing suggest that this variant is not likely to affect RNA splicing. In summary, the available evidence is currently insufficient to determine the role of this variant in disease. Therefore, it has been classified as a Variant of Uncertain Significance.

Literature cited by the submitters: PubMed 17576681; PubMed 9536098.

NM_001103.4(ACTN2):c.1255+6T>G

Gene: ACTN2 (actinin alpha 2; plus strand). Cytogenetic location: 1q43.
Variant type: single nucleotide variant.
Coding change: c.1255+6T>G on transcript NM_001103.4 (MANE Select); 6 bases into the intron after coding-DNA position 1255, T replaced by G.
Molecular consequence: intron variant.
Genome position (GRCh38, 1-based): chr1:236,743,049, T>G. VCF-style: chr1-236743049-T-G. GRCh37 (hg19) VCF-style: chr1-236906349-T-G.
Other names: c.631+6T>G (NM_001278344.2); c.1255+6T>G (NM_001278343.2).
Identifiers: ClinVar variation 660332 (VCV000660332.9), dbSNP rs1572135675, ClinGen allele CA915942085.